The following is an entry in ClinVar:

NM_023110.3(FGFR1):c.345_348del (p.Val116fs)

Gene: FGFR1 (fibroblast growth factor receptor 1; minus strand). Cytogenetic location: 8p11.23.
Variant type: Deletion.
Coding change: c.345_348del on transcript NM_023110.3 (MANE Select); coding-DNA positions 345 to 348, 4 bases deleted (CGTC; older notation c.345_348delCGTC).
Protein change: p.Val116fs; shifts the reading frame from valine 116.
Molecular consequence: frameshift variant. On other transcripts: intron variant (5).
Genome position (GRCh38, 1-based): chr8:38,429,692-38,429,695, GACG deleted on the plus strand (CGTC on the coding strand, the reverse complement: FGFR1 is on the minus strand); deleting any 4 consecutive bases within chr8:38,429,692-38,429,697 gives the same sequence; the c. name uses the placement nearest the transcript's 3' end. VCF-style (leftmost placement, unchanged base first): chr8-38429691-TGACG-T. GRCh37 (hg19) VCF-style: chr8-38287209-TGACG-T.
Other names: c.345_348del, p.Val116fs (NM_001174063.2, NM_001174065.2, NM_001354367.2 and 3 more transcripts); c.321_324del, p.Val108fs (NM_001174064.2); c.444_447del, p.Val149fs (NM_001174067.2); c.92-1260_92-1257del (NM_001354368.2, NM_001354370.2, NM_023106.3 and 2 more transcripts); short protein forms V108fs, V116fs, V149fs.
Identifiers: ClinVar variation 3755044 (VCV003755044.2).
Genomic context (GRCh38, chr8:38,429,691, plus strand): 5'-GCTGGAGGGGGTGGGTCTAGGGAGGGGCAAGGGCAGGGCTTGGCTACCAACCTGAAACAT[TGACG>T]GAGAAGTAGGTGGTGTCACTGCCCGAGGGGCTGCTGGTTACGCAAGCATAGAGGCCGGAG-3'

ClinVar aggregate classification (germline): Pathogenic (1 of 4 stars; one submission).

Conditions:
Pfeiffer syndrome (ACS5). Also called: ACS V. Identifiers: Orphanet 710, MedGen C0220658, MONDO:0007043, OMIM 101600.
Hypogonadotropic hypogonadism 2 with or without anosmia (HH2). Also called: FGFR1-Related GnRH Deficiency (Kallmann Syndrome 2); HYPOGONADOTROPIC HYPOGONADISM 2 WITH OR WITHOUT ANOSMIA, SUSCEPTIBILITY TO; HYPOGONADOTROPIC HYPOGONADISM 2 WITHOUT ANOSMIA; HYPOGONADOTROPIC HYPOGONADISM 2 WITHOUT ANOSMIA, SUSCEPTIBILITY TO. Identifiers: Orphanet 478, MedGen C1563720, MONDO:0007844, OMIM 147950. Disease mechanism: loss of function.

Submission:

Labcorp Genetics (formerly Invitae), Labcorp
Classification: Pathogenic for Pfeiffer syndrome; Hypogonadotropic hypogonadism 2 with or without anosmia. Last evaluated: 2024-03-01. Review status: criteria provided, single submitter. Criteria: Invitae Variant Classification Sherloc (09022015). Collection method: clinical testing. Allele origin: germline.
Comment: This sequence change creates a premature translational stop signal (p.Val116Metfs*35) in the FGFR1 gene. It is expected to result in an absent or disrupted protein product. Loss-of-function variants in FGFR1 are known to be pathogenic (PMID: 12627230). This variant is not present in population databases (gnomAD no frequency). This variant has not been reported in the literature in individuals affected with FGFR1-related conditions. For these reasons, this variant has been classified as Pathogenic.

Literature cited by the submitters: PubMed 12627230.